The following is an entry in ClinVar:

NM_004453.4(ETFDH):c.1142G>A (p.Gly381Asp)

Gene: ETFDH (electron transfer flavoprotein dehydrogenase; plus strand). Cytogenetic location: 4q32.1.
Variant type: single nucleotide variant.
Coding change: c.1142G>A on transcript NM_004453.4 (MANE Select); coding-DNA position 1142, G replaced by A.
Protein change: p.Gly381Asp; replaces glycine 381 with aspartic acid.
Molecular consequence: missense variant.
Genome position (GRCh38, 1-based): chr4:158,703,448, G>A. VCF-style: chr4-158703448-G-A. GRCh37 (hg19) VCF-style: chr4-159624600-G-A.
Other names: c.1001G>A, p.Gly334Asp (NM_001281737.2); c.959G>A, p.Gly320Asp (NM_001281738.1); short protein forms G334D, G320D, G381D.
Identifiers: ClinVar variation 2184575 (VCV002184575.5), dbSNP rs1774519367, ClinGen allele CA358562759.

ClinVar aggregate classification (germline): Conflicting classifications of pathogenicity. Review status: criteria provided, conflicting classifications (1 of 4 stars). 2 submissions from 2 submitters: Likely pathogenic (1); Uncertain significance (1). Last evaluated 2026-01-14.

Conditions:
Multiple acyl-CoA dehydrogenase deficiency (MADD). Also called: Glutaric Acidemia type 2; Glutaric aciduria, type 2; ETHYLMALONIC-ADIPICACIDURIA; GA II; Glutaric acidemia type II; GA 2. Identifiers: Orphanet 26791, MedGen C0268596, MONDO:0009282, OMIM 231680.

Allele frequency attached by ClinVar (database versions not stated): gnomAD 0.00001; TOPMed 0.00001.

Submissions (2):

Women's Health and Genetics/Laboratory Corporation of America, LabCorp
Classification: Uncertain significance. Last evaluated: 2026-01-14. Review status: criteria provided, single submitter. Criteria: LabCorp Variant Classification Summary - May 2015. Collection method: clinical testing. Allele origin: germline.
Comment: Variant summary: ETFDH c.1142G>A (p.Gly381Asp) results in a non-conservative amino acid change in the encoded protein sequence. Algorithms developed to predict the effect of missense changes on protein structure and function all suggest that this variant is likely to be disruptive. The variant was absent in 251294 control chromosomes. The available data on variant occurrences in the general population are insufficient to allow any conclusion about variant significance. To our knowledge, no occurrence of c.1142G>A in individuals affected with ETFDH-related conditions and no experimental evidence demonstrating its impact on protein function have been reported. ClinVar contains an entry for this variant (Variation ID: 2184575). Based on the evidence outlined above, the variant was classified as uncertain significance.

Labcorp Genetics (formerly Invitae), Labcorp
Classification: Likely pathogenic for Multiple acyl-CoA dehydrogenase deficiency. Last evaluated: 2023-03-27. Review status: criteria provided, single submitter. Criteria: Invitae Variant Classification Sherloc (09022015). Collection method: clinical testing. Allele origin: germline.
Comment: Advanced modeling of protein sequence and biophysical properties (such as structural, functional, and spatial information, amino acid conservation, physicochemical variation, residue mobility, and thermodynamic stability) performed at Invitae indicates that this missense variant is expected to disrupt ETFDH protein function. This sequence change replaces glycine, which is neutral and non-polar, with aspartic acid, which is acidic and polar, at codon 381 of the ETFDH protein (p.Gly381Asp). This variant is not present in population databases (gnomAD no frequency). This variant has not been reported in the literature in individuals affected with ETFDH-related conditions. ClinVar contains an entry for this variant (Variation ID: 2184575). This variant disrupts the p.Gly381 amino acid residue in ETFDH. Other variant(s) that disrupt this residue have been determined to be pathogenic (PMID: 28388738, 31331668). This suggests that this residue is clinically significant, and that variants that disrupt this residue are likely to be disease-causing. In summary, the currently available evidence indicates that the variant is pathogenic, but additional data are needed to prove that conclusively. Therefore, this variant has been classified as Likely Pathogenic.

Literature cited by the submitters: PubMed 28388738 (cited by Labcorp Genetics (formerly Invitae), Labcorp); PubMed 31331668 (cited by Labcorp Genetics (formerly Invitae), Labcorp).